The following is an entry in ClinVar:

NM_033380.3(COL4A5):c.1075G>T (p.Gly359Ter)

Gene: COL4A5 (collagen type IV alpha 5 chain; plus strand). Cytogenetic location: Xq22.3.
Variant type: single nucleotide variant.
Coding change: c.1075G>T on transcript NM_033380.3 (MANE Select); coding-DNA position 1075, G replaced by T.
Protein change: p.Gly359Ter; replaces glycine 359 with a stop codon.
Molecular consequence: nonsense.
Genome position (GRCh38, 1-based): chrX:108,586,657, G>T. VCF-style: chrX-108586657-G-T. GRCh37 (hg19) VCF-style: chrX-107829887-G-T.
Other names: c.1075G>T, p.Gly359Ter (NM_000495.5); short protein forms G359*.
Identifiers: ClinVar variation 983612 (VCV000983612.3), dbSNP rs1569492122, ClinGen allele CA413930211.

ClinVar aggregate classification (germline): Likely pathogenic (1 of 4 stars; one submission).

Conditions:
X-linked Alport syndrome (ATS1). Also called: NEPHROPATHY AND DEAFNESS, X-LINKED; COL4A5-Related Nephropathy. Identifiers: Orphanet 63, Orphanet 88917, MedGen C4746986, MONDO:0010520, OMIM 301050.

Submission:

Myriad Genetics, Inc.
Classification: Likely pathogenic for X-linked Alport syndrome. Last evaluated: 2019-12-21. Review status: criteria provided, single submitter. Criteria: Myriad Women's Health Autosomal Recessive and X-Linked Classification Criteria (2019). Collection method: clinical testing. Allele origin: unknown.
Comment: NM_000495.4(COL4A5):c.1075G>T(G359*) is expected to be pathogenic in the context of X-linked Alport syndrome. This variant is predicted to lead to an abnormal or absent protein product due to the creation of a premature termination codon in COL4A5, a gene where loss-of-function variants are known to be pathogenic. Please note: this variant was assessed in the context of healthy population screening.